The following is an entry in ClinVar:

NM_152328.5(ADSS1):c.241G>A (p.Asp81Asn)

Gene: ADSS1 (adenylosuccinate synthase 1; plus strand). Cytogenetic location: 14q32.33.
Variant type: single nucleotide variant.
Coding change: c.241G>A on transcript NM_152328.5 (MANE Select); coding-DNA position 241, G replaced by A.
Protein change: p.Asp81Asn; replaces aspartic acid 81 with asparagine.
Molecular consequence: missense variant. On other transcripts: 5 prime UTR variant (1).
Genome position (GRCh38, 1-based): chr14:104,735,068, G>A. VCF-style: chr14-104735068-G-A. GRCh37 (hg19) VCF-style: chr14-105201405-G-A.
Other names: c.-358G>A (NM_001320424.1); c.370G>A, p.Asp124Asn (NM_199165.2); short protein forms D124N, D81N.
Identifiers: ClinVar variation 1681906 (VCV001681906.4), dbSNP rs775459928, ClinGen allele CA7373560.

ClinVar aggregate classification (germline): Uncertain significance (1 of 4 stars; one submission).

Allele frequency attached by ClinVar (database versions not stated): gnomAD exomes below 0.00001 and 0.00003; ExAC 0.00001; gnomAD 0.00003; TOPMed 0.00004.
gnomAD v4.1: 55 of 1,613,464 alleles (0.0034%); highest among the groups gnomAD compares: Non-Finnish European, 0.0039%; no homozygotes.

Submission:

Labcorp Genetics (formerly Invitae), Labcorp
Classification: Uncertain significance. Last evaluated: 2024-12-05. Review status: criteria provided, single submitter. Criteria: Invitae Variant Classification Sherloc (09022015). Collection method: clinical testing. Allele origin: germline.
Comment: This sequence change replaces aspartic acid, which is acidic and polar, with asparagine, which is neutral and polar, at codon 124 of the ADSSL1 protein (p.Asp124Asn). This variant is present in population databases (rs775459928, gnomAD 0.0009%). This variant has not been reported in the literature in individuals affected with ADSSL1-related conditions. ClinVar contains an entry for this variant (Variation ID: 1681906). An algorithm developed to predict the effect of missense changes on protein structure and function (PolyPhen-2) suggests that this variant is likely to be disruptive. In summary, the available evidence is currently insufficient to determine the role of this variant in disease. Therefore, it has been classified as a Variant of Uncertain Significance.